The following is an entry in ClinVar:

NM_000836.4(GRIN2D):c.3167C>T (p.Pro1056Leu)

Gene: GRIN2D (glutamate ionotropic receptor NMDA type subunit 2D; plus strand). Cytogenetic location: 19q13.33.
Variant type: single nucleotide variant.
Coding change: c.3167C>T on transcript NM_000836.4 (MANE Select); coding-DNA position 3167, C replaced by T.
Protein change: p.Pro1056Leu; replaces proline 1056 with leucine.
Molecular consequence: missense variant.
Genome position (GRCh38, 1-based): chr19:48,443,093, C>T. VCF-style: chr19-48443093-C-T. GRCh37 (hg19) VCF-style: chr19-48946350-C-T.
Other names: short protein forms P1056L.
Identifiers: ClinVar variation 1955949 (VCV001955949.5), dbSNP rs980280934, ClinGen allele CA309299062.

ClinVar aggregate classification (germline): Uncertain significance (1 of 4 stars; one submission).

Allele frequency attached by ClinVar (database versions not stated): TOPMed 0.00004; gnomAD 0.00002; 1000 Genomes Project 30x 0.00016.

Submission:

Labcorp Genetics (formerly Invitae), Labcorp
Classification: Uncertain significance. Last evaluated: 2025-09-07. Review status: criteria provided, single submitter. Criteria: Invitae Variant Classification Sherloc (09022015). Collection method: clinical testing. Allele origin: germline.
Comment: This sequence change replaces proline, which is neutral and non-polar, with leucine, which is neutral and non-polar, at codon 1056 of the GRIN2D protein (p.Pro1056Leu). This variant is present in population databases (no rsID available, gnomAD 0.01%). This variant has not been reported in the literature in individuals affected with GRIN2D-related conditions. ClinVar contains an entry for this variant (Variation ID: 1955949). Invitae Evidence Modeling of protein sequence and biophysical properties (such as structural, functional, and spatial information, amino acid conservation, physicochemical variation, residue mobility, and thermodynamic stability) indicates that this missense variant is not expected to disrupt GRIN2D protein function with a negative predictive value of 95%. In summary, the available evidence is currently insufficient to determine the role of this variant in disease. Therefore, it has been classified as a Variant of Uncertain Significance.